The following is an entry in ClinVar:

NM_003597.5(KLF11):c.266C>T (p.Ala89Val)

Gene: KLF11 (KLF transcription factor 11; plus strand). Cytogenetic location: 2p25.1.
Variant type: single nucleotide variant.
Coding change: c.266C>T on transcript NM_003597.5 (MANE Select); coding-DNA position 266, C replaced by T.
Protein change: p.Ala89Val; replaces alanine 89 with valine.
Molecular consequence: missense variant.
Genome position (GRCh38, 1-based): chr2:10,046,373, C>T. VCF-style: chr2-10046373-C-T. GRCh37 (hg19) VCF-style: chr2-10186500-C-T.
Other names: c.215C>T, p.Ala72Val (NM_001177716.2, NM_001177718.2); short protein forms A89V, A72V.
Identifiers: ClinVar variation 330624 (VCV000330624.6), dbSNP rs766187124, ClinGen allele CA1525442.

ClinVar aggregate classification (germline): Uncertain significance. Review status: criteria provided, multiple submitters, no conflicts (2 of 4 stars). 2 submissions from 2 submitters: Uncertain significance (2). Last evaluated 2019-02-14.

Conditions:
Maturity-onset diabetes of the young type 7 (MODY7). Identifiers: Orphanet 552, MedGen C1864839, MONDO:0012513, OMIM 610508.

Allele frequency attached by ClinVar (database versions not stated): ExAC 0.00004; gnomAD 0.00006 and 0.00007; gnomAD exomes 0.00006 and 0.00009; TOPMed 0.00008.
gnomAD v4.1: 143 of 1,614,062 alleles (0.0089%); highest among the groups gnomAD compares: Admixed American, 0.012%; no homozygotes.

Submissions (2):

Baylor Genetics
Classification: Uncertain significance for Maturity-onset diabetes of the young type 7. Last evaluated: 2019-02-14. Review status: criteria provided, single submitter. Criteria: ACMG Guidelines, 2015. Collection method: clinical testing. Allele origin: unknown. Affected: yes.
Comment: This variant was determined to be of uncertain significance according to ACMG Guidelines, 2015 [PMID:25741868].

Illumina Laboratory Services, Illumina
Classification: Uncertain significance for Maturity-onset diabetes of the young type 7. Last evaluated: 2018-01-13. Review status: criteria provided, single submitter. Criteria: ICSL Variant Classification Criteria 13 December 2019. Collection method: clinical testing. Allele origin: germline.